The following is an entry in ClinVar:

ClinVar aggregate classification (germline): Uncertain significance (1 of 4 stars; one submission).

Conditions:
Hereditary pulmonary alveolar proteinosis. Also called: Pulmonary surfactant metabolism dysfunction. Identifiers: Orphanet 264675, MedGen C3711368, MONDO:0012580.

Submission:

Ambry Genetics
Classification: Uncertain significance for Hereditary pulmonary alveolar proteinosis. Last evaluated: 2017-04-07. Review status: criteria provided, single submitter. Criteria: Ambry Variant Classification Scheme 2023. Collection method: clinical testing. Allele origin: germline.
Comment: The p.A1040P variant (also known as c.3118G>C), located in coding exon 19 of the ABCA3 gene, results from a G to C substitution at nucleotide position 3118. The alanine at codon 1040 is replaced by proline, an amino acid with highly similar properties. This amino acid position is well conserved in available vertebrate species. In addition, this alteration is predicted to be deleterious by in silico analysis. Since supporting evidence is limited at this time, the clinical significance of this variant remains unclear.

NM_001089.3(ABCA3):c.3118G>C (p.Ala1040Pro)

Gene: ABCA3 (ATP binding cassette subfamily A member 3; minus strand). Cytogenetic location: 16p13.3.
Variant type: single nucleotide variant.
Coding change: c.3118G>C on transcript NM_001089.3 (MANE Select); coding-DNA position 3118, G replaced by C.
Protein change: p.Ala1040Pro; replaces alanine 1040 with proline.
Molecular consequence: missense variant.
Genome position (GRCh38, 1-based): chr16:2,286,854, C>G on the plus strand (G>C on the coding strand, the complement: ABCA3 is on the minus strand). VCF-style: chr16-2286854-C-G. GRCh37 (hg19) VCF-style: chr16-2336855-C-G.
Other names: short protein forms A1040P.
Identifiers: ClinVar variation 1727820 (VCV001727820.2), dbSNP rs1015881697, ClinGen allele CA394320344.
Genomic context (GRCh38, chr16:2,286,854, plus strand): 5'-GGTTGTCCACGACGGCCAGGGCAGTGGCTGGAGAGTGGTACGCCTGGTTGTTGAACAAGG[C>G]GTTGACGACCGTGCGCTCTCCCACATCTCTGAAGGACGCTGCCACAAGGCACCGCTCATT-3'
Protein context (NP_001080.2, residues 1030-1050): RDVGERTVVN[Ala1040Pro]LFNNQAYHSP